The following is an entry in ClinVar:

NM_001101426.4(CRPPA):c.790-1G>C

Gene: CRPPA (CDP-L-ribitol pyrophosphorylase A; minus strand). Cytogenetic location: 7p21.2.
Variant type: single nucleotide variant.
Coding change: c.790-1G>C on transcript NM_001101426.4 (MANE Select); the canonical splice acceptor site of the intron before coding-DNA position 790, G replaced by C.
Molecular consequence: splice acceptor variant.
Genome position (GRCh38, 1-based): chr7:16,301,467, C>G on the plus strand (G>C on the coding strand, the complement: CRPPA is on the minus strand). VCF-style: chr7-16301467-C-G. GRCh37 (hg19) VCF-style: chr7-16341092-C-G.
Other names: c.640-1G>C (NM_001101417.4); c.685-1G>C (NM_001368197.1).
Identifiers: ClinVar variation 1252045 (VCV001252045.3), dbSNP rs2128422954, ClinGen allele CA367001540.
Genomic context (GRCh38, chr7:16,301,467, plus strand): 5'-AAGGCCAAACATACCCTTAATAATCGATTCAGCCGCATAGAGATCTCGTTTGTAGGTCAC[C>G]TAAAGGACAGATAAACTTCATTAGACTTAACAGAGCAGGAAGGAATGTGCAAGCAATAAA-3'

ClinVar aggregate classification (germline): Pathogenic. Review status: criteria provided, single submitter (1 of 4 stars). 2 submissions from 1 submitter: Pathogenic (1). 1 of the submissions does not count toward it. Last evaluated 2024-03-17.

Conditions:
Muscular dystrophy-dystroglycanopathy (congenital with brain and eye anomalies), type A, 7. Also called: WALKER-WARBURG SYNDROME OR MUSCLE-EYE-BRAIN DISEASE, ISPD-RELATED; Congenital muscular dystrophy-dystroglycanopathy with brain and eye anomalies, type A7. Identifiers: Orphanet 899, MedGen C3553330, MONDO:0013835, OMIM 614643.

Submissions (2):

Genomic Medicine Center of Excellence, King Faisal Specialist Hospital and Research Centre
Classification: Pathogenic for Muscular dystrophy-dystroglycanopathy (congenital with brain and eye anomalies), type A, 7. Last evaluated: 2024-03-17. Review status: criteria provided, single submitter. Criteria: ACMG Guidelines, 2015. Collection method: research. Allele origin: germline.

Genomic Medicine Center of Excellence, King Faisal Specialist Hospital and Research Centre
Classification: Pathogenic for Muscular dystrophy-dystroglycanopathy (congenital with brain and eye anomalies), type A, 7. Last evaluated: 2021-04-29. Review status: flagged submission. Collection method: research. Allele origin: germline. Affected: yes. Not counted in ClinVar's aggregate classification.
ClinVar note: Reason: This record appears to be redundant with a more recent record from the same submitter.
ClinVar note: Notes: SCV001870484 appears to be redundant with SCV004805137.